The following is an entry in ClinVar:

ClinVar aggregate classification (germline): Likely pathogenic (1 of 4 stars; one submission).

Conditions:
Seizures, benign familial infantile, 3 (BFIS3). Also called: Familial neonatal seizures; CONVULSIONS, BENIGN FAMILIAL INFANTILE, 3. Identifiers: Orphanet 140927, Orphanet 306, MedGen C1843140, MONDO:0011904, OMIM 607745.
Developmental and epileptic encephalopathy, 11 (DEE11). Also called: Early infantile epileptic encephalopathy 11. Identifiers: Orphanet 1934, MedGen C3150987, MONDO:0013388, OMIM 613721.

Submission:

Labcorp Genetics (formerly Invitae), Labcorp
Classification: Likely pathogenic for Seizures, benign familial infantile, 3; Developmental and epileptic encephalopathy, 11. Last evaluated: 2022-12-07. Review status: criteria provided, single submitter. Criteria: Invitae Variant Classification Sherloc (09022015). Collection method: clinical testing. Allele origin: germline.
Comment: This sequence change replaces valine with leucine at codon 973 of the SCN2A protein (p.Val973Leu). The valine residue is highly conserved and there is a small physicochemical difference between valine and leucine. In summary, the currently available evidence indicates that the variant is pathogenic, but additional data are needed to prove that conclusively. Therefore, this variant has been classified as Likely Pathogenic. Experimental studies and prediction algorithms are not available or were not evaluated, and the functional significance of this variant is currently unknown. ClinVar contains an entry for this variant (Variation ID: 1523554). This missense change has been observed in individual(s) with clinical features of SCN2A-related conditions (Invitae). In at least one individual the variant was observed to be de novo. Information on the frequency of this variant in the gnomAD database is not available, as this variant may be reported differently in the database.

NM_001040142.2(SCN2A):c.2916_2917delinsTT (p.Val973Leu)

Gene: SCN2A (sodium voltage-gated channel alpha subunit 2; plus strand). Cytogenetic location: 2q24.3.
Variant type: Indel.
Coding change: c.2916_2917delinsTT on transcript NM_001040142.2 (MANE Select); coding-DNA positions 2916 to 2917, AG replaced by TT.
Protein change: p.Val973Leu; replaces valine 973 with leucine.
Molecular consequence: missense variant.
Genome position (GRCh38, 1-based): chr2:165,344,908-165,344,909, AG replaced by TT. VCF-style: chr2-165344908-AG-TT. GRCh37 (hg19) VCF-style: chr2-166201418-AG-TT.
Other names: c.2916_2917delinsTT, p.Val973Leu (NM_001040143.2, NM_001371246.1, NM_001371247.1 and 1 more transcripts); short protein forms V973L.
Identifiers: ClinVar variation 1523554 (VCV001523554.6), dbSNP rs2105319230, ClinGen allele CA2573133618.